The following is an entry in ClinVar:

NM_005257.6(GATA6):c.217C>A (p.Pro73Thr)

Gene: GATA6 (GATA binding protein 6; plus strand). Cytogenetic location: 18q11.2.
Variant type: single nucleotide variant.
Coding change: c.217C>A on transcript NM_005257.6 (MANE Select); coding-DNA position 217, C replaced by A.
Protein change: p.Pro73Thr; replaces proline 73 with threonine.
Molecular consequence: missense variant.
Genome position (GRCh38, 1-based): chr18:22,171,361, C>A. VCF-style: chr18-22171361-C-A. GRCh37 (hg19) VCF-style: chr18-19751322-C-A.
Other names: short protein forms P73T.
Identifiers: ClinVar variation 2115675 (VCV002115675.4), dbSNP rs993070434, ClinGen allele CA401799072.

ClinVar aggregate classification (germline): Uncertain significance (1 of 4 stars; one submission).

Conditions:
Atrioventricular septal defect 5 (AVSD5). Identifiers: MedGen C3280939, MONDO:0013769, OMIM 614474.

Submission:

Labcorp Genetics (formerly Invitae), Labcorp
Classification: Uncertain significance for Atrioventricular septal defect 5. Last evaluated: 2023-08-09. Review status: criteria provided, single submitter. Criteria: Invitae Variant Classification Sherloc (09022015). Collection method: clinical testing. Allele origin: germline.
Comment: In summary, the available evidence is currently insufficient to determine the role of this variant in disease. Therefore, it has been classified as a Variant of Uncertain Significance. Algorithms developed to predict the effect of missense changes on protein structure and function output the following: SIFT: "Not Available"; PolyPhen-2: "Benign"; Align-GVGD: "Not Available". The threonine amino acid residue is found in multiple mammalian species, which suggests that this missense change does not adversely affect protein function. ClinVar contains an entry for this variant (Variation ID: 2115675). This variant has not been reported in the literature in individuals affected with GATA6-related conditions. This variant is not present in population databases (gnomAD no frequency). This sequence change replaces proline, which is neutral and non-polar, with threonine, which is neutral and polar, at codon 73 of the GATA6 protein (p.Pro73Thr).